The following is an entry in ClinVar:

ClinVar aggregate classification (germline): Uncertain significance (1 of 4 stars; one submission).

Conditions:
Hereditary cancer-predisposing syndrome. Also called: Neoplastic Syndromes, Hereditary; Tumor predisposition; Hereditary neoplastic syndrome; Hereditary Cancer Syndrome. Identifiers: Orphanet 140162, MedGen C0027672, MeSH D009386, MONDO:0015356.

Allele frequency attached by ClinVar (database versions not stated): gnomAD exomes below 0.00001.
gnomAD v4.1: 1 of 1,601,434 alleles (0.000062%); highest among the groups gnomAD compares: Non-Finnish European, 0.000085%; no homozygotes.

Submission:

Ambry Genetics
Classification: Uncertain significance for Hereditary cancer-predisposing syndrome. Last evaluated: 2023-10-15. Review status: criteria provided, single submitter. Criteria: Ambry Variant Classification Scheme 2023. Collection method: clinical testing. Allele origin: germline.
Comment: The p.L233P variant (also known as c.698T>C), located in coding exon 5 of the POT1 gene, results from a T to C substitution at nucleotide position 698. The leucine at codon 233 is replaced by proline, an amino acid with similar properties. This amino acid position is conserved. In addition, this alteration is predicted to be deleterious by in silico analysis. Since supporting evidence is limited at this time, the clinical significance of this alteration remains unclear.

NM_015450.3(POT1):c.698T>C (p.Leu233Pro)

Gene: POT1 (protection of telomeres 1; minus strand). Cytogenetic location: 7q31.33.
Variant type: single nucleotide variant.
Coding change: c.698T>C on transcript NM_015450.3 (MANE Select); coding-DNA position 698, T replaced by C.
Protein change: p.Leu233Pro; replaces leucine 233 with proline.
Molecular consequence: missense variant. On other transcripts: non-coding transcript variant (3).
Genome position (GRCh38, 1-based): chr7:124,858,961, A>G on the plus strand (T>C on the coding strand, the complement: POT1 is on the minus strand). VCF-style: chr7-124858961-A-G. GRCh37 (hg19) VCF-style: chr7-124499015-A-G.
Other names: c.305T>C, p.Leu102Pro (NM_001042594.2); short protein forms L102P, L233P.
Identifiers: ClinVar variation 3226689 (VCV003226689.1), dbSNP rs2116525082, ClinGen allele CA369055977.